The following is an entry in ClinVar:

ClinVar aggregate classification (germline): Benign (1 of 4 stars; one submission).

Allele frequency attached by ClinVar (database versions not stated): gnomAD exomes 0.48846; TOPMed 0.53562; gnomAD 0.55532 and 0.55757; 1000 Genomes Project 0.55671; 1000 Genomes Project 30x 0.56090.
gnomAD v4.1: 372,374 of 742,916 alleles (50%); highest among the groups gnomAD compares: African/African-American, 71%; 94,545 homozygotes.

Submission:

GeneDx
Classification: Benign. Last evaluated: 2018-06-14. Review status: criteria provided, single submitter. Criteria: GeneDx Variant Classification (06012015). Collection method: clinical testing. Allele origin: germline. Affected: yes.
Comment: This variant is considered likely benign or benign based on one or more of the following criteria: it is a conservative change, it occurs at a poorly conserved position in the protein, it is predicted to be benign by multiple in silico algorithms, and/or has population frequency not consistent with disease.

NM_000426.4(LAMA2):c.3037+140G>A

Gene: LAMA2 (laminin subunit alpha 2; plus strand). Cytogenetic location: 6q22.33.
Variant type: single nucleotide variant.
Coding change: c.3037+140G>A on transcript NM_000426.4 (MANE Select); 140 bases into the intron after coding-DNA position 3037, G replaced by A.
Molecular consequence: intron variant.
Genome position (GRCh38, 1-based): chr6:129,298,005, G>A. VCF-style: chr6-129298005-G-A. GRCh37 (hg19) VCF-style: chr6-129619150-G-A.
Other names: c.3037+140G>A (NM_001079823.2).
Identifiers: ClinVar variation 682913 (VCV000682913.1), dbSNP rs1027200, ClinGen allele CA12207948.